The following is an entry in ClinVar:

NM_000548.5(TSC2):c.301G>A (p.Val101Met)

Gene: TSC2 (TSC complex subunit 2; plus strand). Cytogenetic location: 16p13.3.
Variant type: single nucleotide variant.
Coding change: c.301G>A on transcript NM_000548.5 (MANE Select); coding-DNA position 301, G replaced by A.
Protein change: p.Val101Met; replaces valine 101 with methionine.
Molecular consequence: missense variant. On other transcripts: intron variant (2).
Genome position (GRCh38, 1-based): chr16:2,053,417, G>A. VCF-style: chr16-2053417-G-A. GRCh37 (hg19) VCF-style: chr16-2103418-G-A.
Other names: c.301G>A, p.Val101Met (NM_001077183.3, NM_001114382.3, NM_001363528.2 and 3 more transcripts); c.154G>A, p.Val52Met (NM_001318829.2); c.334G>A, p.Val112Met (NM_001318832.2); c.226-879G>A (NM_001318827.2); c.-1-2779G>A (NM_001318831.2); short protein forms V101M, V112M, V52M.
Identifiers: ClinVar variation 238006 (VCV000238006.20), dbSNP rs878854089, ClinGen allele CA10583279.

ClinVar aggregate classification (germline): Conflicting classifications of pathogenicity. Review status: criteria provided, conflicting classifications (1 of 4 stars). 6 submissions from 6 submitters: Uncertain significance (5); Likely benign (1). Last evaluated 2026-06-15.

Conditions:
Lymphangiomyomatosis (LAM). Also called: Lymphangioleiomyomatosis; Lymphangioleiomyomatosis, somatic. Identifiers: Orphanet 538, MedGen C0751674, MONDO:0011705, OMIM 606690.
Isolated focal cortical dysplasia type II (FCORD2). Also called: CORTICAL DYSPLASIA OF TAYLOR; Focal cortical dysplasia type II. Identifiers: Orphanet 268994, MedGen C1846385, MONDO:0011818, OMIM 607341, HP:0032051.
Tuberous sclerosis 2 (TSC2). Identifiers: Orphanet 805, MedGen C1860707, MONDO:0013199, OMIM 613254.
Hereditary cancer-predisposing syndrome. Also called: Tumor predisposition; Neoplastic Syndromes, Hereditary; Hereditary Cancer Syndrome; Hereditary neoplastic syndrome. Identifiers: Orphanet 140162, MedGen C0027672, MeSH D009386, MONDO:0015356.
Tuberous sclerosis syndrome (TSC). Also called: Tuberous Sclerosis Complex; Tuberous sclerosis. Identifiers: Orphanet 805, MedGen C0041341, MONDO:0001734.

Allele frequency attached by ClinVar (database versions not stated): gnomAD 0.00001; gnomAD exomes below 0.00001; TOPMed below 0.00001.
gnomAD v4.1: 5 of 1,585,430 alleles (0.00032%); highest among the groups gnomAD compares: South Asian, 0.0012%; no homozygotes.

Submissions (6):

Ambry Genetics
Classification: Likely benign for Hereditary cancer-predisposing syndrome. Last evaluated: 2026-06-15. Review status: criteria provided, single submitter. Criteria: Ambry Variant Classification Scheme 2023. Collection method: clinical testing. Allele origin: germline.

Labcorp Genetics (formerly Invitae), Labcorp
Classification: Uncertain significance for Tuberous sclerosis 2. Last evaluated: 2025-12-28. Review status: criteria provided, single submitter. Criteria: Invitae Variant Classification Sherloc (09022015). Collection method: clinical testing. Allele origin: germline.
Comment: This sequence change replaces valine, which is neutral and non-polar, with methionine, which is neutral and non-polar, at codon 101 of the TSC2 protein (p.Val101Met). This variant is not present in population databases (gnomAD no frequency). This variant has not been reported in the literature in individuals affected with TSC2-related conditions. ClinVar contains an entry for this variant (Variation ID: 238006). Invitae Evidence Modeling of protein sequence and biophysical properties (such as structural, functional, and spatial information, amino acid conservation, physicochemical variation, residue mobility, and thermodynamic stability) indicates that this missense variant is not expected to disrupt TSC2 protein function with a negative predictive value of 95%. In summary, the available evidence is currently insufficient to determine the role of this variant in disease. Therefore, it has been classified as a Variant of Uncertain Significance.

Color Diagnostics, LLC DBA Color Health
Classification: Uncertain significance for Tuberous sclerosis syndrome. Last evaluated: 2025-10-07. Review status: criteria provided, single submitter. Criteria: ACMG Guidelines, 2015. Collection method: clinical testing. Allele origin: germline.
Comment: This missense variant replaces valine with methionine at codon 101 of the TSC2 protein. Computational prediction suggests that this variant may not impact protein structure and function. To our knowledge, functional studies have not been reported for this variant. This variant has not been reported in individuals affected with TSC2-related disorders in the literature. This variant has been identified in 5/1585430 chromosomes in the general population by the Genome Aggregation Database (gnomAD). The available evidence is insufficient to determine the role of this variant in disease conclusively. Therefore, this variant is classified as a Variant of Uncertain Significance.

Fulgent Genetics
Classification: Uncertain significance for Lymphangiomyomatosis; Isolated focal cortical dysplasia type II; Tuberous sclerosis 2. Last evaluated: 2024-02-21. Review status: criteria provided, single submitter. Criteria: ACMG Guidelines, 2015. Collection method: clinical testing. Allele origin: germline.

GeneDx
Classification: Uncertain significance. Last evaluated: 2022-06-09. Review status: criteria provided, single submitter. Criteria: GeneDx Variant Classification Process June 2021. Collection method: clinical testing. Allele origin: germline. Affected: yes.
Comment: Not observed at significant frequency in large population cohorts (gnomAD); In silico analysis supports that this missense variant does not alter protein structure/function; Has not been previously published as pathogenic or benign to our knowledge; This variant is associated with the following publications: (PMID: 18466115)

Genome-Nilou Lab
Classification: Uncertain significance for Tuberous sclerosis 2. Last evaluated: 2021-11-07. Review status: criteria provided, single submitter. Criteria: ACMG Guidelines, 2015. Collection method: clinical testing. Allele origin: germline. Affected: no.